The following is an entry in ClinVar:

NM_005585.5(SMAD6):c.1060G>A (p.Val354Ile)

Gene: SMAD6 (SMAD family member 6; plus strand). Cytogenetic location: 15q22.31.
Variant type: single nucleotide variant.
Coding change: c.1060G>A on transcript NM_005585.5 (MANE Select); coding-DNA position 1060, G replaced by A.
Protein change: p.Val354Ile; replaces valine 354 with isoleucine.
Molecular consequence: missense variant. On other transcripts: non-coding transcript variant (1).
Genome position (GRCh38, 1-based): chr15:66,781,104, G>A. VCF-style: chr15-66781104-G-A. GRCh37 (hg19) VCF-style: chr15-67073442-G-A.
Other names: short protein forms V354I.
Identifiers: ClinVar variation 3224782 (VCV003224782.1), dbSNP rs781279097, ClinGen allele CA7626718.

ClinVar aggregate classification (germline): Uncertain significance (1 of 4 stars; one submission).

Conditions:
Inborn genetic diseases. Identifiers: MedGen C0950123, MeSH D030342.

Allele frequency attached by ClinVar (database versions not stated): ExAC 0.00001.

Submission:

Ambry Genetics
Classification: Uncertain significance for Inborn genetic diseases. Last evaluated: 2023-12-21. Review status: criteria provided, single submitter. Criteria: Ambry Variant Classification Scheme 2023. Collection method: clinical testing. Allele origin: germline.
Comment: The p.V354I variant (also known as c.1060G>A), located in coding exon 4 of the SMAD6 gene, results from a G to A substitution at nucleotide position 1060. The valine at codon 354 is replaced by isoleucine, an amino acid with highly similar properties. This amino acid position is conserved. In addition, this alteration is predicted to be deleterious by in silico analysis. Since supporting evidence is limited at this time, the clinical significance of this alteration remains unclear.